The following is an entry in ClinVar:

NM_001197104.2(KMT2A):c.6637A>C (p.Met2213Leu)

Gene: KMT2A (lysine methyltransferase 2A; plus strand). Cytogenetic location: 11q23.3.
Variant type: single nucleotide variant.
Coding change: c.6637A>C on transcript NM_001197104.2 (MANE Select); coding-DNA position 6637, A replaced by C.
Protein change: p.Met2213Leu; replaces methionine 2213 with leucine.
Molecular consequence: missense variant.
Genome position (GRCh38, 1-based): chr11:118,502,529, A>C. VCF-style: chr11-118502529-A-C. GRCh37 (hg19) VCF-style: chr11-118373244-A-C.
Other names: c.6727A>C, p.Met2243Leu (NM_001412597.1); c.6628A>C, p.Met2210Leu (NM_005933.4); short protein forms M2213L, M2243L, M2210L.
Identifiers: ClinVar variation 4700478 (VCV004700478.1).

ClinVar aggregate classification (germline): Uncertain significance (1 of 4 stars; one submission).

gnomAD v4.1: 2 of 1,614,130 alleles (0.00012%); highest among the groups gnomAD compares: South Asian, 0.0022%; no homozygotes.

Submission:

Labcorp Genetics (formerly Invitae), Labcorp
Classification: Uncertain significance. Last evaluated: 2025-02-02. Review status: criteria provided, single submitter. Criteria: Invitae Variant Classification Sherloc (09022015). Collection method: clinical testing. Allele origin: germline.
Comment: This sequence change replaces methionine, which is neutral and non-polar, with leucine, which is neutral and non-polar, at codon 2213 of the KMT2A protein (p.Met2213Leu). This variant is present in population databases (no rsID available, gnomAD 0.003%). This variant has not been reported in the literature in individuals affected with KMT2A-related conditions. Invitae Evidence Modeling of protein sequence and biophysical properties (such as structural, functional, and spatial information, amino acid conservation, physicochemical variation, residue mobility, and thermodynamic stability) indicates that this missense variant is not expected to disrupt KMT2A protein function with a negative predictive value of 95%. In summary, the available evidence is currently insufficient to determine the role of this variant in disease. Therefore, it has been classified as a Variant of Uncertain Significance.